The following is an entry in ClinVar:

ClinVar aggregate classification (germline): Uncertain significance (1 of 4 stars; one submission).

Allele frequency attached by ClinVar (database versions not stated): gnomAD exomes 0.00001; ExAC 0.00002.

Submission:

Labcorp Genetics (formerly Invitae), Labcorp
Classification: Uncertain significance. Last evaluated: 2024-01-14. Review status: criteria provided, single submitter. Criteria: Invitae Variant Classification Sherloc (09022015). Collection method: clinical testing. Allele origin: germline.
Comment: This sequence change replaces valine, which is neutral and non-polar, with glycine, which is neutral and non-polar, at codon 389 of the CLCN6 protein (p.Val389Gly). This variant is present in population databases (rs767986284, gnomAD 0.002%). This variant has not been reported in the literature in individuals affected with CLCN6-related conditions. An algorithm developed to predict the effect of missense changes on protein structure and function (PolyPhen-2) suggests that this variant is likely to be tolerated. In summary, the available evidence is currently insufficient to determine the role of this variant in disease. Therefore, it has been classified as a Variant of Uncertain Significance.

NM_001286.5(CLCN6):c.1166T>G (p.Val389Gly)

Gene: CLCN6 (chloride voltage-gated channel 6; plus strand). Cytogenetic location: 1p36.22.
Variant type: single nucleotide variant.
Coding change: c.1166T>G on transcript NM_001286.5 (MANE Select); coding-DNA position 1166, T replaced by G.
Protein change: p.Val389Gly; replaces valine 389 with glycine.
Molecular consequence: missense variant. On other transcripts: non-coding transcript variant (1).
Genome position (GRCh38, 1-based): chr1:11,829,240, T>G. VCF-style: chr1-11829240-T-G. GRCh37 (hg19) VCF-style: chr1-11889297-T-G.
Other names: c.1100T>G, p.Val367Gly (NM_001256959.2); short protein forms V389G, V367G.
Identifiers: ClinVar variation 2707973 (VCV002707973.3), dbSNP rs767986284, ClinGen allele CA596376.